The following is an entry in ClinVar:

NM_001134363.3(RBM20):c.1490C>T (p.Ser497Leu)

Gene: RBM20 (RNA binding motif protein 20; plus strand). Cytogenetic location: 10q25.2.
Variant type: single nucleotide variant.
Coding change: c.1490C>T on transcript NM_001134363.3 (MANE Select); coding-DNA position 1490, C replaced by T.
Protein change: p.Ser497Leu; replaces serine 497 with leucine.
Molecular consequence: missense variant.
Genome position (GRCh38, 1-based): chr10:110,784,852, C>T. VCF-style: chr10-110784852-C-T. GRCh37 (hg19) VCF-style: chr10-112544610-C-T.
Other names: short protein forms S497L.
Identifiers: ClinVar variation 4614827 (VCV004614827.1).

ClinVar aggregate classification (germline): Uncertain significance (1 of 4 stars; one submission).

Conditions:
Cardiovascular phenotype. Identifiers: MedGen CN230736.

Submission:

Ambry Genetics
Classification: Uncertain significance for Cardiovascular phenotype. Last evaluated: 2025-11-04. Review status: criteria provided, single submitter. Criteria: Ambry Variant Classification Scheme 2023. Collection method: clinical testing. Allele origin: germline.
Comment: The p.S497L variant (also known as c.1490C>T), located in coding exon 5 of the RBM20 gene, results from a C to T substitution at nucleotide position 1490. The serine at codon 497 is replaced by leucine, an amino acid with dissimilar properties. This amino acid position is conserved. In addition, the in silico prediction for this alteration is inconclusive. Based on the available evidence, the clinical significance of this variant remains unclear.